The following is an entry in ClinVar:

ClinVar aggregate classification (germline): Uncertain significance (1 of 4 stars; one submission).

Submission:

Labcorp Genetics (formerly Invitae), Labcorp
Classification: Uncertain significance. Last evaluated: 2022-04-13. Review status: criteria provided, single submitter. Criteria: Invitae Variant Classification Sherloc (09022015). Collection method: clinical testing. Allele origin: germline.
Comment: In summary, the available evidence is currently insufficient to determine the role of this variant in disease. Therefore, it has been classified as a Variant of Uncertain Significance. Algorithms developed to predict the effect of missense changes on protein structure and function are either unavailable or do not agree on the potential impact of this missense change (SIFT: "Deleterious"; PolyPhen-2: "Possibly Damaging"; Align-GVGD: "Class C0"). This variant has not been reported in the literature in individuals affected with STAT4-related conditions. This variant is not present in population databases (gnomAD no frequency). This sequence change replaces glutamine, which is neutral and polar, with leucine, which is neutral and non-polar, at codon 296 of the STAT4 protein (p.Gln296Leu).

NM_003151.4(STAT4):c.887A>T (p.Gln296Leu)

Gene: STAT4 (signal transducer and activator of transcription 4; minus strand). Cytogenetic location: 2q32.2.
Variant type: single nucleotide variant.
Coding change: c.887A>T on transcript NM_003151.4 (MANE Select); coding-DNA position 887, A replaced by T.
Protein change: p.Gln296Leu; replaces glutamine 296 with leucine.
Molecular consequence: missense variant.
Genome position (GRCh38, 1-based): chr2:191,062,816, T>A on the plus strand (A>T on the coding strand, the complement: STAT4 is on the minus strand). VCF-style: chr2-191062816-T-A. GRCh37 (hg19) VCF-style: chr2-191927542-T-A.
Other names: c.887A>T, p.Gln296Leu (NM_001243835.2); short protein forms Q296L.
Identifiers: ClinVar variation 2126047 (VCV002126047.4), dbSNP rs2470767783, ClinGen allele CA349915832.